The following is an entry in ClinVar:

ClinVar aggregate classification (germline): Uncertain significance. Review status: criteria provided, multiple submitters, no conflicts (2 of 4 stars). 7 submissions from 7 submitters: Uncertain significance (7). Last evaluated 2025-03-04.

Conditions:
Hereditary cancer-predisposing syndrome. Also called: Tumor predisposition; Hereditary Cancer Syndrome; Hereditary neoplastic syndrome; Neoplastic Syndromes, Hereditary. Identifiers: Orphanet 140162, MedGen C0027672, MeSH D009386, MONDO:0015356.
Lynch syndrome. Identifiers: Orphanet 144, MedGen C4552100, MONDO:0005835. Disease mechanism: loss of function.
Hereditary nonpolyposis colorectal neoplasms. Identifiers: MedGen C0009405, MeSH D003123.

Submissions (7):

Center for Genomic Medicine, Rigshospitalet, Copenhagen University Hospital
Classification: Uncertain significance. Last evaluated: 2025-03-04. Review status: criteria provided, single submitter. Criteria: ACMG Guidelines, 2015. Collection method: clinical testing. Allele origin: germline.

Blueprint Genetics
Classification: Uncertain significance. Last evaluated: 2024-09-18. Review status: criteria provided, single submitter. Criteria: ACMG Guidelines, 2015. Collection method: clinical testing. Allele origin: germline.

GeneDx
Classification: Uncertain significance. Last evaluated: 2024-01-12. Review status: criteria provided, single submitter. Criteria: GeneDx Variant Classification Process June 2021. Collection method: clinical testing. Allele origin: germline. Affected: yes.
Comment: Not observed at significant frequency in large population cohorts (gnomAD); In silico analysis supports that this missense variant does not alter protein structure/function; Has not been previously published as pathogenic or benign to our knowledge; This variant is associated with the following publications: (PMID: 17531815, 21120944)

Color Diagnostics, LLC DBA Color Health
Classification: Uncertain significance for Hereditary cancer-predisposing syndrome. Last evaluated: 2023-12-04. Review status: criteria provided, single submitter. Criteria: ACMG Guidelines, 2015. Collection method: clinical testing. Allele origin: germline.
Comment: This missense variant replaces asparagine with tyrosine at codon 897 of the MSH6 protein. Computational prediction is inconclusive regarding the impact of this variant on protein structure and function (internally defined REVEL score threshold 0.5 < inconclusive < 0.7, PMID: 27666373). To our knowledge, functional studies have not been reported for this variant. This variant has not been reported in individuals affected with MSH6-related disorders in the literature. This variant has not been identified in the general population by the Genome Aggregation Database (gnomAD). The available evidence is insufficient to determine the role of this variant in disease conclusively. Therefore, this variant is classified as a Variant of Uncertain Significance.

Labcorp Genetics (formerly Invitae), Labcorp
Classification: Uncertain significance for Hereditary nonpolyposis colorectal neoplasms. Last evaluated: 2023-10-04. Review status: criteria provided, single submitter. Criteria: Invitae Variant Classification Sherloc (09022015). Collection method: clinical testing. Allele origin: germline.
Comment: This sequence change replaces asparagine, which is neutral and polar, with tyrosine, which is neutral and polar, at codon 897 of the MSH6 protein (p.Asn897Tyr). This variant is not present in population databases (gnomAD no frequency). This variant has not been reported in the literature in individuals affected with MSH6-related conditions. ClinVar contains an entry for this variant (Variation ID: 420892). Advanced modeling of protein sequence and biophysical properties (such as structural, functional, and spatial information, amino acid conservation, physicochemical variation, residue mobility, and thermodynamic stability) performed at Invitae indicates that this missense variant is not expected to disrupt MSH6 protein function. In summary, the available evidence is currently insufficient to determine the role of this variant in disease. Therefore, it has been classified as a Variant of Uncertain Significance.

All of Us Research Program, National Institutes of Health
Classification: Uncertain significance for Lynch syndrome. Last evaluated: 2023-08-08. Review status: criteria provided, single submitter. Criteria: ACMG Guidelines, 2015. Collection method: clinical testing. Allele origin: germline. Inheritance: Autosomal dominant inheritance. Observed: 1 variant allele, 1 heterozygote.
Comment: This study involves interpretation of variants in research participants for the purpose of population health screening. Participant phenotype was not available at the time of variant classification. Additional details can be found in publication PMID: 35346344, PMCID: PMC8962531

Ambry Genetics
Classification: Uncertain significance for Hereditary cancer-predisposing syndrome. Last evaluated: 2023-06-27. Review status: criteria provided, single submitter. Criteria: Ambry Variant Classification Scheme 2023. Collection method: clinical testing. Allele origin: germline.
Comment: The p.N897Y variant (also known as c.2689A>T), located in coding exon 4 of the MSH6 gene, results from an A to T substitution at nucleotide position 2689. The asparagine at codon 897 is replaced by tyrosine, an amino acid with dissimilar properties. This amino acid position is not well conserved in available vertebrate species. In addition, the in silico prediction for this alteration is inconclusive. Since supporting evidence is limited at this time, the clinical significance of this alteration remains unclear.

NM_000179.3(MSH6):c.2689A>T (p.Asn897Tyr)

Gene: MSH6 (mutS homolog 6; plus strand). Cytogenetic location: 2p16.3.
Variant type: single nucleotide variant.
Coding change: c.2689A>T on transcript NM_000179.3 (MANE Select); coding-DNA position 2689, A replaced by T.
Protein change: p.Asn897Tyr; replaces asparagine 897 with tyrosine.
Molecular consequence: missense variant.
Genome position (GRCh38, 1-based): chr2:47,800,672, A>T. VCF-style: chr2-47800672-A-T. GRCh37 (hg19) VCF-style: chr2-48027811-A-T.
Other names: c.2299A>T, p.Asn767Tyr (NM_001281492.2); c.1783A>T, p.Asn595Tyr (NM_001281493.2, NM_001281494.2); short protein forms N897Y, N767Y, N595Y.
Identifiers: ClinVar variation 420892 (VCV000420892.26), dbSNP rs1064794771, ClinGen allele CA16617680.